The following continues an entry in ClinVar:

NM_000053.4(ATP7B):c.2755C>T (p.Arg919Trp)

Gene: ATP7B. ClinVar aggregate classification (germline): Pathogenic/Likely pathogenic. Pathogenic (6); Likely pathogenic (13).

Submissions 8 to 20 of 20:

All of Us Research Program, National Institutes of Health
Classification: Likely pathogenic for Wilson disease. Last evaluated: 2024-09-27. Review status: criteria provided, single submitter. Criteria: ACMG Guidelines, 2015. Collection method: clinical testing. Allele origin: germline. Inheritance: Autosomal recessive inheritance. Observed: 12 variant alleles, 12 heterozygotes.
Comment: This missense variant replaces arginine with tryptophan at codon 919 of the ATP7B protein. Computational prediction suggests that this variant may have deleterious impact on protein structure and function (internally defined REVEL score threshold >= 0.7, PMID: 27666373). To our knowledge, functional studies have not been reported for this variant. This variant has been reported in individuals affected with autosomal recessive Wilson disease (PMID: 9671269, 17949296, 20082719, 20517649, 23219664, 23333878, 23518715, 25089800). In two of these individuals, this variant was confirmed to be in the homozygous state (PMID: 25089800) or compound heterozygous state with a second pathogenic variant in the same gene (PMID: 23219664). This variant has been identified in 15/248730 chromosomes in the general population by the Genome Aggregation Database (gnomAD). Based on the available evidence, this variant is classified as Likely Pathogenic.

This study involves interpretation of variants in research participants for the purpose of population health screening. Participant phenotype was not available at the time of variant classification. Additional details can be found in publication PMID: 35346344, PMCID: PMC8962531

Blueprint Genetics
Classification: Pathogenic for ATP7B-related disorders. Last evaluated: 2024-09-13. Review status: criteria provided, single submitter. Criteria: ACMG Guidelines, 2015. Collection method: clinical testing. Allele origin: germline. Affected: yes. Observed: 1 variant allele.

Lildballe Lab, Aarhus University Hospital
Classification: Likely pathogenic for Wilson disease. Last evaluated: 2024-08-29. Review status: criteria provided, single submitter. Criteria: ACMG Guidelines, 2015. Collection method: clinical testing. Allele origin: germline. Affected: yes.
Comment: PM1, PM5, PM2, PP3, PP5

Baylor Genetics
Classification: Likely pathogenic for Wilson disease. Last evaluated: 2024-03-29. Review status: criteria provided, single submitter. Criteria: ACMG Guidelines, 2015. Collection method: clinical testing. Allele origin: unknown.

Fulgent Genetics
Classification: Pathogenic for Wilson disease. Last evaluated: 2024-01-12. Review status: criteria provided, single submitter. Criteria: ACMG Guidelines, 2015. Collection method: clinical testing. Allele origin: germline.

Women's Health and Genetics/Laboratory Corporation of America, LabCorp
Classification: Pathogenic for Wilson disease. Last evaluated: 2023-12-07. Review status: criteria provided, single submitter. Criteria: LabCorp Variant Classification Summary - May 2015. Collection method: clinical testing. Allele origin: germline.
Comment: Variant summary: ATP7B c.2755C>T (p.Arg919Trp) results in a non-conservative amino acid change in the encoded protein sequence. Three of three in-silico tools predict a damaging effect of the variant on protein function. The variant allele was found at a frequency of 6.4e-05 in 251064 control chromosomes (gnomAD and publication data). This frequency is not significantly higher than estimated for a pathogenic variant in ATP7B causing Wilson Disease (6.4e-05 vs 0.0054), allowing no conclusion about variant significance. c.2755C>T has been reported in the literature in individuals affected with Wilson Disease (Loudianos_2013, Maleki_2013, Wei_2014, Collins_2021). These data indicate that the variant is very likely to be associated with disease. To our knowledge, no experimental evidence demonstrating an impact on protein function has been reported. The following publications have been ascertained in the context of this evaluation (PMID: 17949296, 9671269, 20517649, 22692182, 23518715, 23235335, 23333878, 24253677, 23219664, 20082719, 25089800, 23159873, 23333878, 31980526, 33640437). Seven submitters have cited clinical-significance assessments for this variant to ClinVar after 2014 and classified this variant as uncertain significance (n=1), likely pathogenic (n=5) and pathogenic (n=1). Based on the evidence outlined above, the variant was classified as pathogenic.

GeneDx
Classification: Likely pathogenic. Last evaluated: 2023-10-10. Review status: criteria provided, single submitter. Criteria: GeneDx Variant Classification Process June 2021. Collection method: clinical testing. Allele origin: germline. Affected: yes.
Comment: In silico analysis supports that this missense variant has a deleterious effect on protein structure/function; This variant is associated with the following publications: (PMID: 22692182, 31980526, 34470610, 33260258, 31217899, 27022412, 30275481, 23219664, 23518715, 20082719, 30232804, 23275100, 9671269, 33763395, 28433111, 37229156, 35314707)

Mayo Clinic Laboratories, Mayo Clinic
Classification: Likely pathogenic. Last evaluated: 2023-05-18. Review status: criteria provided, single submitter. Criteria: ACMG Guidelines, 2015. Collection method: clinical testing. Allele origin: germline. Observed: 1 variant allele.
Comment: PP3, PM2, PM3, PM5

Laboratory for Molecular Medicine, Mass General Brigham Personalized Medicine
Classification: Likely pathogenic for Wilson disease. Last evaluated: 2022-08-26. Review status: criteria provided, single submitter. Criteria: ACMG Guidelines, 2015. Collection method: clinical testing. Allele origin: germline.
Comment: The p.Arg919Trp variant in ATP7B has been reported in at least 10 individuals with Wilson disease, including at least 1 homozygote and 5 compound heterozygotes, and segregated in at least 1 affected sibling (Coffey 2013, Ferenci 2019, Lepori 2007, Loudianos 1998, Loudianos 2013, Merle 2010, Poon 2016, Simsek Papur 2013, Wei 2014, Weiss 2010). This variant has also been identified in 3/15386 African chromosomes by gnomAD. It has also been reported in ClinVar (Variation ID: 312386). Another missense variant at the same position (c.2755C>G, p.Arg919Gly) has been reported in ClinVar and classified by several clinical laboratories as pathogenic (Variation ID 3857). Computational prediction tools and conservation analyses do not provide strong support for or against an impact to the protein. In summary, although additional studies are required to fully establish its clinical significance, this variant meets criteria to be classified as likely pathogenic for autosomal recessive Wilson disease. ACMG/AMP criteria applied: PM3_Strong, PM5_Supporting, PM2_Supporting, PP1, PP4.

Genome-Nilou Lab
Classification: Likely pathogenic for Wilson disease. Last evaluated: 2021-08-10. Review status: criteria provided, single submitter. Criteria: ACMG Guidelines, 2015. Collection method: clinical testing. Allele origin: germline. Affected: no.

CeGaT Center for Human Genetics Tuebingen
Classification: Likely pathogenic. Last evaluated: 2019-03-01. Review status: criteria provided, single submitter. Criteria: CeGaT Center For Human Genetics Tuebingen Variant Classification Criteria Version 2. Collection method: clinical testing. Allele origin: germline. Affected: yes. Observed: 1 variant allele.

Juno Genomics, Hangzhou Juno Genomics, Inc
Classification: Likely pathogenic for Wilson disease. Review status: criteria provided, single submitter. Criteria: ACMG Guidelines, 2015. Collection method: clinical testing. Allele origin: germline. Affected: yes.
Comment: Absent from controls (or at extremely low frequency if recessive) in Genome Aggregation Database, Exome Sequencing Project, 1000 Genomes Project, or Exome Aggregation Consortium.;Novel missense change at an amino acid residue where a different missense change determined to be pathogenic has been seen before.;Multiple lines of computational evidence support a deleterious effect on the gene or gene product (conservation, evolutionary, splicing impact, etc).;For recessive disorders, detected in trans with a pathogenic variant.;Patient's phenotype or family history is highly specific for a disease with a single genetic etiology.;Co-segregation with disease in multiple affected family members in a gene definitively known to cause the disease.

Counsyl
Classification: Likely pathogenic for Wilson disease. Last evaluated: 2017-05-22. Review status: no assertion criteria provided. Collection method: clinical testing. Allele origin: unknown. Not counted in ClinVar's aggregate classification.

Literature cited by the submitters: PubMed 23518715 (cited by 5 submitters); PubMed 9671269 (cited by 7 submitters); PubMed 23219664 (cited by 7 submitters); PubMed 25089800 (cited by 6 submitters); PubMed 11405812 (cited by Labcorp Genetics (formerly Invitae), Labcorp and Mayo Clinic Laboratories, Mayo Clinic); PubMed 12376745 (cited by Labcorp Genetics (formerly Invitae), Labcorp and Mayo Clinic Laboratories, Mayo Clinic); PubMed 17680703 (cited by Labcorp Genetics (formerly Invitae), Labcorp); PubMed 21796144 (cited by Labcorp Genetics (formerly Invitae), Labcorp and Mayo Clinic Laboratories, Mayo Clinic); PubMed 26032686 (cited by Labcorp Genetics (formerly Invitae), Labcorp and Mayo Clinic Laboratories, Mayo Clinic); PubMed 33640437 (cited by Natera, Inc. and Women's Health and Genetics/Laboratory Corporation of America, LabCorp); PubMed 17949296 (cited by 5 submitters); PubMed 20082719 (cited by 5 submitters); PubMed 20517649 (cited by 5 submitters); PubMed 23333878 (cited by 5 submitters); PubMed 22692182 (cited by Women's Health and Genetics/Laboratory Corporation of America, LabCorp and Counsyl); PubMed 23235335 (cited by Women's Health and Genetics/Laboratory Corporation of America, LabCorp and Laboratory for Molecular Medicine, Mass General Brigham Personalized Medicine); PubMed 24253677 (cited by Women's Health and Genetics/Laboratory Corporation of America, LabCorp and Counsyl); PubMed 23159873 (cited by Women's Health and Genetics/Laboratory Corporation of America, LabCorp); PubMed 31980526 (cited by Women's Health and Genetics/Laboratory Corporation of America, LabCorp); PubMed 14986826 (cited by Mayo Clinic Laboratories, Mayo Clinic); PubMed 17587212 (cited by Mayo Clinic Laboratories, Mayo Clinic); PubMed 21219664 (cited by Mayo Clinic Laboratories, Mayo Clinic); PubMed 26807378 (cited by Mayo Clinic Laboratories, Mayo Clinic); PubMed 28212618 (cited by Mayo Clinic Laboratories, Mayo Clinic); PubMed 28507923 (cited by Mayo Clinic Laboratories, Mayo Clinic); PubMed 9452121 (cited by Mayo Clinic Laboratories, Mayo Clinic); PubMed 30232804 (cited by Laboratory for Molecular Medicine, Mass General Brigham Personalized Medicine); PubMed 26483271 (cited by Laboratory for Molecular Medicine, Mass General Brigham Personalized Medicine).